The following is an entry in ClinVar:

NM_003467.3(CXCR4):c.89G>A (p.Arg30His)

Gene: CXCR4 (C-X-C motif chemokine receptor 4; minus strand). Cytogenetic location: 2q22.1.
Variant type: single nucleotide variant.
Coding change: c.89G>A on transcript NM_003467.3 (MANE Select); coding-DNA position 89, G replaced by A.
Protein change: p.Arg30His; replaces arginine 30 with histidine.
Molecular consequence: missense variant.
Genome position (GRCh38, 1-based): chr2:136,115,839, C>T on the plus strand (G>A on the coding strand, the complement: CXCR4 is on the minus strand). VCF-style: chr2-136115839-C-T. GRCh37 (hg19) VCF-style: chr2-136873409-C-T.
Other names: c.101G>A, p.Arg34His (NM_001008540.2); c.302G>A, p.Arg101His (NM_001348056.2); c.188G>A, p.Arg63His (NM_001348059.2); c.44G>A, p.Arg15His (NM_001348060.2); short protein forms R101H, R15H, R30H, R34H, R63H.
Identifiers: ClinVar variation 2881048 (VCV002881048.3), dbSNP rs923351521, ClinGen allele CA56886585.
Genomic context (GRCh38, chr2:136,115,839, plus strand): 5'-AAGAAGATGATGGAGTAGATGGTGGGCAGGAAGATTTTATTGAAATTAGCATTTTCTTCA[C>T]GGAAACAGGGTTCCTTCATGGAGTCATAGTCCCCTGAGCCCATTTCCTCGGTGTAGTTAT-3'
Protein context (NP_003458.1, residues 20-40): DYDSMKEPCF[Arg30His]EENANFNKIF

ClinVar aggregate classification (germline): Uncertain significance (1 of 4 stars; one submission).

Conditions:
Warts, hypogammaglobulinemia, infections, and myelokathexis. Also called: WHIM syndrome. Identifiers: MedGen C0472817, MONDO:0023880.

Allele frequency attached by ClinVar (database versions not stated): TOPMed below 0.00001; gnomAD 0.00001.
gnomAD v4.1: 5 of 1,614,018 alleles (0.00031%); highest among the groups gnomAD compares: African/African-American, 0.0013%; no homozygotes.

Submission:

Labcorp Genetics (formerly Invitae), Labcorp
Classification: Uncertain significance for Warts, hypogammaglobulinemia, infections, and myelokathexis. Last evaluated: 2025-01-12. Review status: criteria provided, single submitter. Criteria: Invitae Variant Classification Sherloc (09022015). Collection method: clinical testing. Allele origin: germline.
Comment: This sequence change replaces arginine, which is basic and polar, with histidine, which is basic and polar, at codon 30 of the CXCR4 protein (p.Arg30His). This variant is present in population databases (no rsID available, gnomAD 0.01%). This variant has not been reported in the literature in individuals affected with CXCR4-related conditions. ClinVar contains an entry for this variant (Variation ID: 2881048). An algorithm developed to predict the effect of missense changes on protein structure and function (PolyPhen-2) suggests that this variant is likely to be tolerated. In summary, the available evidence is currently insufficient to determine the role of this variant in disease. Therefore, it has been classified as a Variant of Uncertain Significance.